The following is an entry in ClinVar:

ClinVar aggregate classification (germline): Uncertain significance (1 of 4 stars; one submission).

Conditions:
HEXB-related disorder. Also called: HEXB-related condition.

gnomAD v4.1: 11 of 1,550,154 alleles (0.00071%); highest among the groups gnomAD compares: African/African-American, 0.0014%; no homozygotes.

Submission:

PreventionGenetics, part of Exact Sciences
Classification: Uncertain significance for HEXB-related condition. Last evaluated: 2025-03-31. Review status: criteria provided, single submitter. Criteria: ACMG Guidelines, 2015. Collection method: clinical testing. Allele origin: germline.
Comment: The HEXB c.29G>A variant is predicted to result in the amino acid substitution p.Arg10Gln. To our knowledge, this variant has not been reported in the literature. This variant is reported in 0.0017% of alleles in individuals of European (Non-Finnish) descent in gnomAD. At this time, the clinical significance of this variant is uncertain due to the absence of conclusive functional and genetic evidence.

NM_000521.4(HEXB):c.29G>A (p.Arg10Gln)

Gene: HEXB (hexosaminidase subunit beta; plus strand). Cytogenetic location: 5q13.3.
Variant type: single nucleotide variant.
Coding change: c.29G>A on transcript NM_000521.4 (MANE Select); coding-DNA position 29, G replaced by A.
Protein change: p.Arg10Gln; replaces arginine 10 with glutamine.
Molecular consequence: missense variant. On other transcripts: intron variant (1).
Genome position (GRCh38, 1-based): chr5:74,685,289, G>A. VCF-style: chr5-74685289-G-A. GRCh37 (hg19) VCF-style: chr5-73981114-G-A.
Other names: c.-376-4039G>A (NM_001292004.2); short protein forms R10Q.
Identifiers: ClinVar variation 4989621 (VCV004989621.1).
Genomic context (GRCh38, chr5:74,685,289, plus strand): 5'-CGGCAGACCGGGCGGAAAGCAGCCGAGCGGCCATGGAGCTGTGCGGGCTGGGGCTGCCCC[G>A]GCCGCCCATGCTGCTGGCGCTGCTGTTGGCGACACTGCTGGCGGCGATGTTGGCGCTGCT-3'
Protein context (NP_000512.2, residues 1-20): MELCGLGLP[Arg10Gln]PPMLLALLLA